The following is an entry in ClinVar:

NM_000135.4(FANCA):c.599A>G (p.His200Arg)

Gene: FANCA (FA complementation group A; minus strand). Cytogenetic location: 16q24.3.
Variant type: single nucleotide variant.
Coding change: c.599A>G on transcript NM_000135.4 (MANE Select); coding-DNA position 599, A replaced by G.
Protein change: p.His200Arg; replaces histidine 200 with arginine.
Molecular consequence: missense variant.
Genome position (GRCh38, 1-based): chr16:89,805,390, T>C on the plus strand (A>G on the coding strand, the complement: FANCA is on the minus strand). VCF-style: chr16-89805390-T-C. GRCh37 (hg19) VCF-style: chr16-89871798-T-C.
Other names: c.599A>G, p.His200Arg (NM_001018112.3, NM_001286167.3); c.503A>G, p.His168Arg (NM_001351830.2); short protein forms H200R, H168R.
Identifiers: ClinVar variation 2142314 (VCV002142314.1), dbSNP rs2544331651, ClinGen allele CA397478262.

ClinVar aggregate classification (germline): Uncertain significance (1 of 4 stars; one submission).

Conditions:
Fanconi anemia (FA). Also called: Fanconi's anemia. Identifiers: Orphanet 84, MedGen C0015625, MeSH D005199, MONDO:0019391.

Submission:

Labcorp Genetics (formerly Invitae), Labcorp
Classification: Uncertain significance for Fanconi anemia. Last evaluated: 2022-05-24. Review status: criteria provided, single submitter. Criteria: Invitae Variant Classification Sherloc (09022015). Collection method: clinical testing. Allele origin: germline.
Comment: This sequence change replaces histidine, which is basic and polar, with arginine, which is basic and polar, at codon 200 of the FANCA protein (p.His200Arg). This variant is not present in population databases (gnomAD no frequency). This variant has not been reported in the literature in individuals affected with FANCA-related conditions. Algorithms developed to predict the effect of missense changes on protein structure and function output the following: SIFT: "Tolerated"; PolyPhen-2: "Benign"; Align-GVGD: "Class C0". The arginine amino acid residue is found in multiple mammalian species, which suggests that this missense change does not adversely affect protein function. In summary, the available evidence is currently insufficient to determine the role of this variant in disease. Therefore, it has been classified as a Variant of Uncertain Significance.